The following is an entry in ClinVar:

ClinVar aggregate classification (germline): Likely benign (1 of 4 stars; one submission).

Submission:

Women's Health and Genetics/Laboratory Corporation of America, LabCorp
Classification: Likely benign. Last evaluated: 2023-08-24. Review status: criteria provided, single submitter. Criteria: LabCorp Variant Classification Summary - May 2015. Collection method: clinical testing. Allele origin: germline.
Comment: Variant summary: SMARCA2 c.707_715dupAACAGCAGC (p.Gln236_Gln238dup) results in an in-frame duplication that is predicted to duplicate 3 amino acids into the encoded protein within a Gln repeat region. The variant allele was found at a frequency of 4.2e-06 in 235544 control chromosomes (gnomAD). Another insertion resulting in the same amino acid effect was found at a frequency of 0.0087 in 30452 control chromosomes, suggesting that Gln repeat alterations within this region are benign polymorphisms. To our knowledge, no occurrence of c.707_715dupAACAGCAGC in individuals affected with Nicolaides-Baraitser Syndrome and no experimental evidence demonstrating its impact on protein function have been reported. No submitters have cited clinical-significance assessments for this variant to ClinVar after 2014, although a different duplication resulting in the equivalent amino acid repeat has been classified as benign/likely benign by several ClinVar submitters. Based on the evidence outlined above, the variant was classified as likely benign.

NM_003070.5(SMARCA2):c.707_715dup (p.Gln238_Pro239insGlnGlnGln)

Gene: SMARCA2 (SWI/SNF related BAF chromatin remodeling complex subunit ATPase 2; plus strand). Cytogenetic location: 9p24.3.
Variant type: Duplication.
Coding change: c.707_715dup on transcript NM_003070.5 (MANE Select); coding-DNA positions 707 to 715, 9 bases duplicated (AACAGCAGC; older notation c.707_715dupAACAGCAGC).
Protein change: p.Gln238_Pro239insGlnGlnGln.
Molecular consequence: inframe insertion. On other transcripts: inframe indel (1).
Genome position (GRCh38, 1-based): chr9:2,039,817-2,039,825, AACAGCAGC duplicated; duplicating any 9 consecutive bases within chr9:2,039,810-2,039,825 gives the same sequence; the c. name uses the placement nearest the transcript's 3' end. VCF-style (leftmost placement, unchanged base first): chr9-2039809-G-GCAGCAGCAA. GRCh37 (hg19) VCF-style: chr9-2039809-G-GCAGCAGCAA.
Other names: c.707_715dup, p.Gln238_Pro239insGlnGlnGln (NM_001289396.2, NM_001289397.2, NM_139045.4).
Identifiers: ClinVar variation 2581344 (VCV002581344.1), dbSNP rs751992423, ClinGen allele CA585909132.